The following is an entry in ClinVar:

ClinVar aggregate classification (germline): Likely benign. Review status: criteria provided, multiple submitters, no conflicts (2 of 4 stars). 2 submissions from 2 submitters: Likely benign (2). Last evaluated 2026-04-13.

Conditions:
DICER1-related tumor predisposition. Also called: DICER1-related pleuropulmonary blastoma cancer predisposition syndrome; DICER1 syndrome. Identifiers: Orphanet 284343, MedGen C3839822, MONDO:0100216.

Allele frequency attached by ClinVar (database versions not stated): gnomAD exomes below 0.00001; ExAC 0.00001.
gnomAD v4.1: 1 of 1,613,890 alleles (0.000062%); highest among the groups gnomAD compares: Non-Finnish European, 0.000085%; no homozygotes.

Submissions (2):

Myriad Genetics, Inc.
Classification: Likely benign for DICER1-related tumor predisposition. Last evaluated: 2026-04-13. Review status: criteria provided, single submitter. Criteria: Myriad Autosomal Dominant, Autosomal Recessive and X-Linked Classification Criteria (2023). Collection method: clinical testing. Allele origin: unknown.
Comment: This variant is considered likely benign. This variant is intronic and is not expected to impact mRNA splicing.

Labcorp Genetics (formerly Invitae), Labcorp
Classification: Likely benign for DICER1-related tumor predisposition. Last evaluated: 2021-07-29. Review status: criteria provided, single submitter. Criteria: Invitae Variant Classification Sherloc (09022015). Collection method: clinical testing. Allele origin: germline.

NM_177438.3(DICER1):c.1753-10A>G

Gene: DICER1 (dicer 1, ribonuclease III; minus strand). Cytogenetic location: 14q32.13.
Variant type: single nucleotide variant.
Coding change: c.1753-10A>G on transcript NM_177438.3 (MANE Select); 10 bases into the intron before coding-DNA position 1753, A replaced by G.
Molecular consequence: intron variant.
Genome position (GRCh38, 1-based): chr14:95,115,831, T>C on the plus strand (A>G on the coding strand, the complement: DICER1 is on the minus strand). VCF-style: chr14-95115831-T-C. GRCh37 (hg19) VCF-style: chr14-95582168-T-C.
Other names: c.1753-10A>G (NM_001291628.2, NM_030621.4, NM_001271282.3 and 1 more transcripts).
Identifiers: ClinVar variation 1531516 (VCV001531516.10), dbSNP rs756752432, ClinGen allele CA7331406.
Genomic context (GRCh38, chr14:95,115,831, plus strand): 5'-AATGTCAGTCTCACCAGTATCAACCGACTTGGAACACTTGTTTCTCAAGATCTGAACATT[T>C]AAAAAACAGAACTTATGATGAAAACACATCCTCTCTGCTGTATGCTGTCTGCCTCTGTAC-3'